The following is an entry in ClinVar:

ClinVar aggregate classification (germline): Pathogenic. Review status: criteria provided, single submitter (1 of 4 stars). 2 submissions from 2 submitters: Pathogenic (1). 1 of the submissions does not count toward it. Last evaluated 2017-12-24.

Conditions:
Birt-Hogg-Dube syndrome. Also called: Birt Hogg Dubé syndrome. Identifiers: Orphanet 122, MedGen C0346010, MONDO:0800444.

Submissions (2):

Labcorp Genetics (formerly Invitae), Labcorp
Classification: Pathogenic for Birt-Hogg-Dube syndrome. Last evaluated: 2017-12-24. Review status: criteria provided, single submitter. Criteria: Invitae Variant Classification Sherloc (09022015). Collection method: clinical testing. Allele origin: germline.
Comment: For these reasons, this variant has been classified as Pathogenic. Loss-of-function variants in FLCN are known to be pathogenic (PMID: 15852235). This variant has been reported in an individual with symptoms consistent with Birt–Hogg–Dubé syndrome (PMID: 24393238). This variant is not present in population databases (ExAC no frequency). This sequence change creates a premature translational stop signal (p.Ser333Argfs*56) in the FLCN gene. It is expected to result in an absent or disrupted protein product.

Division of Respiratory Medicine of Juntendo University, Juntendo University Faculty of Medicine and Graduate School of Medicine
Classification: Pathogenic for Birt-Hogg-Dube syndrome 1. Last evaluated: 2023-07-01. Review status: no assertion criteria provided. Collection method: clinical testing. Allele origin: germline. Affected: yes. Not counted in ClinVar's aggregate classification.

Literature cited by the submitters: PubMed 15852235 (cited by Labcorp Genetics (formerly Invitae), Labcorp); PubMed 24393238 (cited by Labcorp Genetics (formerly Invitae), Labcorp).

NM_144997.7(FLCN):c.997_998del (p.Ser333fs)

Gene: FLCN (folliculin; minus strand). Cytogenetic location: 17p11.2.
Variant type: Microsatellite.
Coding change: c.997_998del on transcript NM_144997.7 (MANE Select); coding-DNA positions 997 to 998, 2 bases deleted (TC; older notation c.997_998delTC).
Protein change: p.Ser333fs; shifts the reading frame from serine 333.
Molecular consequence: frameshift variant.
Genome position (GRCh38, 1-based): chr17:17,219,083-17,219,084, GA deleted on the plus strand (TC on the coding strand, the reverse complement: FLCN is on the minus strand); deleting any 2 consecutive bases within chr17:17,219,083-17,219,091 gives the same sequence; the c. name uses the placement nearest the transcript's 3' end. VCF-style (leftmost placement, unchanged base first): chr17-17219082-TGA-T. GRCh37 (hg19) VCF-style: chr17-17122396-TGA-T.
Other names: c.1051_1052del, p.Ser351fs (NM_001353229.2); c.997_998del, p.Ser333fs (NM_001353230.2, NM_001353231.2); short protein forms S333fs, S351fs.
Identifiers: ClinVar variation 529991 (VCV000529991.7), dbSNP rs1555608515, ClinGen allele CA658798735.